The following is an entry in ClinVar:

NM_000152.5(GAA):c.2T>C (p.Met1Thr)

Gene: GAA (alpha glucosidase; plus strand). Cytogenetic location: 17q25.3.
Variant type: single nucleotide variant.
Coding change: c.2T>C on transcript NM_000152.5 (MANE Select); coding-DNA position 2, T replaced by C.
Protein change: p.Met1Thr; changes the start codon (methionine 1).
Molecular consequence: missense variant, initiator codon variant.
Genome position (GRCh38, 1-based): chr17:80,104,588, T>C. VCF-style: chr17-80104588-T-C. GRCh37 (hg19) VCF-style: chr17-78078387-T-C.
Other names: c.2T>C, p.Met1Thr (NM_001079803.3, NM_001079804.3); short protein forms M1T.
Identifiers: ClinVar variation 984802 (VCV000984802.6), dbSNP rs2039024047, ClinGen allele CA401359804.

ClinVar aggregate classification (germline): Pathogenic. Review status: reviewed by expert panel (3 of 4 stars). 2 submissions from 2 submitters: Pathogenic (1). 1 of the submissions does not count toward it. Last evaluated 2023-04-04.

Conditions:
Glycogen storage disease, type II (IOPD). Also called: Glycogen storage disease type 2; Acid maltase deficiency disease; Aglucosidase alfa; Deficiency of alpha-glucosidase; Deficiency of lysosomal alpha-glucosidase; Glucosidase acid-1,4-alpha deficiency. Identifiers: Orphanet 365, MedGen C0017921, MONDO:0009290, OMIM 232300.

Allele frequency attached by ClinVar (database versions not stated): TOPMed below 0.00001.

Submissions (2):

ClinGen Lysosomal Storage Disorder Variant Curation Expert Panel
Classification: Pathogenic for Glycogen storage disease, type II. Last evaluated: 2023-04-04. Review status: reviewed by expert panel. Criteria: clingen_lsd_acmg_specifications_v2-1. Collection method: curation. Allele origin: germline. Inheritance: Autosomal recessive inheritance.
Comment: The NM_000152.5:c.2T>C variant in GAA is an initiator codon variant that is predicted to abolish the start codon (p.Met1?). The next in-frame methionine is at position 122 but, even if used, the gene product would be missing the signal sequence (PMID 22252923). This variant results in 3.6% GAA activity in medium and 0% GAA activity in cells and is abnormally synthesized when expressed in HEK293 cells, and is classified as Class B (“potentially less severe”) by Kroos et al, 2012 (PMID: 22644586) PVS1_Strong for initiator codon variant in GAA upgraded to PVS1 based on availability of functional evidence (PVS1). Two patients with the variant have been reported in the literature, both with late-onset Pompe disease. One had diminished GAA activity, but residual activity was not provided (PMID: 29124014). The second patient had documented laboratory values indicating reduced GAA activity but was also heterozygous for a pseudodeficiency variant. The patient was on enzyme replacement therapy (PMID: 21757382) (PP4). Two patients are compound heterozygous for the variant and another variant in GAA that has been classified as pathogenic by the ClinGen LD VCEP, including c.1826dup (p.Tyr609Ter) (PMID: 29124014) and c.1935C>A (p.Asp645Gln) (PMID: 21757382). The phase was not confirmed in either case (PM3). The variant is absent in gnomAD v2.1.1 (PM2_Supporting). Of note, additional initiator codon variants, including c.1A>G, c.1A>T, and c.3G>A, have been reported in patients with Pompe disease. In summary, this variant meets the criteria to be classified as pathogenic for Pompe disease. GAA-specific ACMG/AMP criteria met, based on the specifications of the ClinGen Lysosomal Diseases VCEP: PVS1, PM3, PP4, PM2_Supporting. (Classification approved by the ClinGen Lysosomal Disease Variant Curation Expert Panel, April 4, 2023).

Genomenon, Inc
Classification: Pathogenic for Glycogen storage disease, type II. Last evaluated: 2026-07-01. Review status: criteria provided, single submitter. Criteria: Genomenon Sequence Variant Interpretation Standards - Updated. Collection method: curation. Allele origin: germline. Affected: yes. Not counted in ClinVar's aggregate classification.
Comment: GAA p.Met1? (c.2T>C) is a variant that disrupts the initiation codon leading to an altered or absent protein product. This variant has been observed in at least one proband with a GAA-related disorder in the compound heterozygous and/or homozygous state (PMID:35864224;34647686;21757382). At least one functional study has demonstrated a substantial alteration in protein function relative to the wild-type (PMID:22644586). At least one splicing study has demonstrated that this variant results in aberrant splicing (PMID:31301153). It is absent or not present at a significant frequency in gnomAD. In conclusion, we classify GAA p.Met1? (c.2T>C) as a pathogenic variant.

Literature cited by the submitters: PubMed 35864224 (cited by Genomenon, Inc); PubMed 34647686 (cited by Genomenon, Inc); PubMed 21757382 (cited by Genomenon, Inc); PubMed 22644586 (cited by Genomenon, Inc); PubMed 31301153 (cited by Genomenon, Inc).